The following is an entry in ClinVar:

NM_015506.3(MMACHC):c.541G>T (p.Asp181Tyr)

Gene: MMACHC (metabolism of cobalamin associated C; plus strand). Cytogenetic location: 1p34.1.
Variant type: single nucleotide variant.
Coding change: c.541G>T on transcript NM_015506.3 (MANE Select); coding-DNA position 541, G replaced by T.
Protein change: p.Asp181Tyr; replaces aspartic acid 181 with tyrosine.
Molecular consequence: missense variant.
Genome position (GRCh38, 1-based): chr1:45,508,907, G>T. VCF-style: chr1-45508907-G-T. GRCh37 (hg19) VCF-style: chr1-45974579-G-T.
Other names: c.370G>T, p.Asp124Tyr (NM_001330540.2); short protein forms D124Y, D181Y.
Identifiers: ClinVar variation 5006762 (VCV005006762.2).

ClinVar aggregate classification (germline): Likely pathogenic (1 of 4 stars; one submission).

Conditions:
Cobalamin C disease. Also called: Methylmalonic aciduria with homocystinuria cblC type; Cobalamin-C methylmalonic acidemia and homocystinuria; Methylmalonic acidemia and homocystinuria cblC type; Methylmalonic aciduria and homocystinuria, Vitamin B12-responsive; Vitamin B12 metabolic defect with combined deficiency of methylmalonyl-CoA mutase and homocysteine:methyltetrahydrofolate methyltransferase; methylmalonic aciduria and homocystinuria type cblC. Identifiers: Orphanet 26, Orphanet 79282, MedGen C1848561, MONDO:0010184, OMIM 277400.

Submission:

Juno Genomics, Hangzhou Juno Genomics, Inc
Classification: Likely pathogenic for Cobalamin C disease. Review status: criteria provided, single submitter. Criteria: ACMG Guidelines, 2015. Collection method: clinical testing. Allele origin: germline.
Comment: Absent from controls (or at extremely low frequency if recessive) in Genome Aggregation Database.;Multiple lines of computational evidence support a deleterious effect on the gene or gene product.;For recessive disorders, detected in trans with a pathogenic variant.